The following is an entry in ClinVar:

ClinVar aggregate classification (germline): Likely benign. Review status: criteria provided, multiple submitters, no conflicts (2 of 4 stars). 3 submissions from 3 submitters: Likely benign (2). 1 of the submissions does not count toward it. Last evaluated 2024-11-04.

Conditions:
CFAP57-related disorder. Also called: CFAP57-related condition.

Allele frequency attached by ClinVar (database versions not stated): gnomAD 0.00093; ExAC 0.00101; TOPMed 0.00111; ESP Exome Variant Server 0.00161; gnomAD exomes 0.00216.

Submissions (3):

Blueprint Genetics
Classification: Likely benign. Last evaluated: 2024-11-04. Review status: criteria provided, single submitter. Criteria: ACMG Guidelines, 2015. Collection method: clinical testing. Allele origin: germline.

CeGaT Center for Human Genetics Tuebingen
Classification: Likely benign. Last evaluated: 2024-02-01. Review status: criteria provided, single submitter. Criteria: CeGaT Center For Human Genetics Tuebingen Variant Classification Criteria Version 2. Collection method: clinical testing. Allele origin: germline. Affected: yes. Observed: 1 variant allele.
Comment: CFAP57: BP4, BS1

PreventionGenetics, part of Exact Sciences
Classification: Likely benign for CFAP57-related condition. Last evaluated: 2024-02-08. Review status: no assertion criteria provided. Collection method: clinical testing. Allele origin: germline. Not counted in ClinVar's aggregate classification.
Comment: This variant is classified as likely benign based on ACMG/AMP sequence variant interpretation guidelines (Richards et al. 2015 PMID: 25741868, with internal and published modifications).

NM_001378189.1(CFAP57):c.374A>G (p.Gln125Arg)

Genes: CFAP57 (cilia and flagella associated protein 57; plus strand), EBNA1BP2 (EBNA1 binding protein 2; minus strand), LOC105378685 (uncharacterized LOC105378685; minus strand). Cytogenetic location: 1p34.2.
Variant type: single nucleotide variant.
Coding change: c.374A>G on transcript NM_001378189.1 (MANE Select); coding-DNA position 374, A replaced by G.
Protein change: p.Gln125Arg; replaces glutamine 125 with arginine.
Molecular consequence: missense variant.
Genome position (GRCh38, 1-based): chr1:43,181,750, A>G. VCF-style: chr1-43181750-A-G. GRCh37 (hg19) VCF-style: chr1-43647421-A-G.
Other names: c.374A>G, p.Gln125Arg (NM_001167965.1, NM_001195831.3, NM_152498.3); short protein forms Q125R.
Identifiers: ClinVar variation 3024901 (VCV003024901.24), dbSNP rs144189781, ClinGen allele CA804360.